The following is an entry in ClinVar:

ClinVar aggregate classification (germline): Uncertain significance (1 of 4 stars; one submission).

Conditions:
Bardet-Biedl syndrome (BBS). Identifiers: Orphanet 110, MedGen C0752166, MONDO:0015229.

Allele frequency attached by ClinVar (database versions not stated): ExAC 0.00001; gnomAD exomes 0.00001; TOPMed 0.00002.

Submission:

Labcorp Genetics (formerly Invitae), Labcorp
Classification: Uncertain significance for Bardet-Biedl syndrome. Last evaluated: 2024-02-17. Review status: criteria provided, single submitter. Criteria: Invitae Variant Classification Sherloc (09022015). Collection method: clinical testing. Allele origin: germline.
Comment: This sequence change replaces aspartic acid, which is acidic and polar, with glycine, which is neutral and non-polar, at codon 628 of the BBS12 protein (p.Asp628Gly). This variant is present in population databases (rs758135703, gnomAD 0.002%). This variant has not been reported in the literature in individuals affected with BBS12-related conditions. ClinVar contains an entry for this variant (Variation ID: 1376706). Advanced modeling of protein sequence and biophysical properties (such as structural, functional, and spatial information, amino acid conservation, physicochemical variation, residue mobility, and thermodynamic stability) performed at Invitae indicates that this missense variant is not expected to disrupt BBS12 protein function with a negative predictive value of 80%. In summary, the available evidence is currently insufficient to determine the role of this variant in disease. Therefore, it has been classified as a Variant of Uncertain Significance.

NM_152618.3(BBS12):c.1883A>G (p.Asp628Gly)

Gene: BBS12 (Bardet-Biedl syndrome 12; plus strand). Cytogenetic location: 4q27.
Variant type: single nucleotide variant.
Coding change: c.1883A>G on transcript NM_152618.3 (MANE Select); coding-DNA position 1883, A replaced by G.
Protein change: p.Asp628Gly; replaces aspartic acid 628 with glycine.
Molecular consequence: missense variant.
Genome position (GRCh38, 1-based): chr4:122,743,775, A>G. VCF-style: chr4-122743775-A-G. GRCh37 (hg19) VCF-style: chr4-123664930-A-G.
Other names: c.1883A>G, p.Asp628Gly (NM_001178007.2); short protein forms D628G.
Identifiers: ClinVar variation 1376706 (VCV001376706.5), dbSNP rs758135703, ClinGen allele CA3069526.